The following is an entry in ClinVar:

NM_017934.7(PHIP):c.4239del (p.Phe1414fs)

Genes: IRAK1BP1 (interleukin 1 receptor associated kinase 1 binding protein 1; plus strand), PHIP (PHIP subunit of CUL4-Ring ligase complex; minus strand). Cytogenetic location: 6q14.1.
Variant type: Deletion.
Coding change: c.4239del on transcript NM_017934.7 (MANE Select); coding-DNA position 4239, one base deleted (C; older notation c.4239delC).
Protein change: p.Phe1414fs; shifts the reading frame from phenylalanine 1414.
Molecular consequence: frameshift variant.
Genome position (GRCh38, 1-based): chr6:78,946,842, G deleted on the plus strand (C on the coding strand, the reverse complement: PHIP is on the minus strand). VCF-style (leftmost placement, unchanged base first): chr6-78946841-AG-A. GRCh37 (hg19) VCF-style: chr6-79656558-AG-A.
Other names: short protein forms F1414fs.
Identifiers: ClinVar variation 4729561 (VCV004729561.1).

ClinVar aggregate classification (germline): Pathogenic (1 of 4 stars; one submission).

Submission:

Labcorp Genetics (formerly Invitae), Labcorp
Classification: Pathogenic. Last evaluated: 2025-10-21. Review status: criteria provided, single submitter. Criteria: Invitae Variant Classification Sherloc (09022015). Collection method: clinical testing. Allele origin: germline.
Comment: This sequence change creates a premature translational stop signal (p.Phe1414Leufs*24) in the PHIP gene. It is expected to result in an absent or disrupted protein product. Loss-of-function variants in PHIP are known to be pathogenic (PMID: 27900362). This variant is not present in population databases (gnomAD no frequency). This variant has not been reported in the literature in individuals affected with PHIP-related conditions. For these reasons, this variant has been classified as Pathogenic.

Literature cited by the submitters: PubMed 27900362.